The following is an entry in ClinVar:

NM_012254.3(SLC27A5):c.567T>C (p.Cys189=)

Gene: SLC27A5 (solute carrier family 27 member 5; minus strand). Cytogenetic location: 19q13.43.
Variant type: single nucleotide variant.
Coding change: c.567T>C on transcript NM_012254.3 (MANE Select); coding-DNA position 567, T replaced by C.
Protein change: p.Cys189=; no amino-acid change (cysteine 189 retained).
Molecular consequence: synonymous variant. On other transcripts: intron variant (1).
Genome position (GRCh38, 1-based): chr19:58,511,389, A>G on the plus strand (T>C on the coding strand, the complement: SLC27A5 is on the minus strand). VCF-style: chr19-58511389-A-G. GRCh37 (hg19) VCF-style: chr19-59022756-A-G.
Other names: c.436+131T>C (NM_001321196.2).
Identifiers: ClinVar variation 5001443 (VCV005001443.1).

ClinVar aggregate classification (germline): Likely benign (1 of 4 stars; one submission).

Conditions:
SLC27A5-related disorder. Also called: SLC27A5-related condition.

Submission:

PreventionGenetics, part of Exact Sciences
Classification: Likely benign for SLC27A5-related condition. Last evaluated: 2025-02-21. Review status: criteria provided, single submitter. Criteria: ACMG Guidelines, 2015. Collection method: clinical testing. Allele origin: germline.
Comment: This variant is classified as likely benign based on ACMG/AMP sequence variant interpretation guidelines (Richards et al. 2015 PMID: 25741868, with internal and published modifications).